The following is an entry in ClinVar:

NM_004646.4(NPHS1):c.2367dup (p.Met790fs)

Gene: NPHS1 (NPHS1 adhesion molecule, nephrin; minus strand). Cytogenetic location: 19q13.12.
Variant type: Duplication.
Coding change: c.2367dup on transcript NM_004646.4 (MANE Select); coding-DNA position 2367, one base duplicated (C; older notation c.2367dupC).
Protein change: p.Met790fs; shifts the reading frame from methionine 790.
Molecular consequence: frameshift variant.
Genome position (GRCh38, 1-based): chr19:35,842,518, G duplicated on the plus strand (C on the coding strand, the reverse complement: NPHS1 is on the minus strand). VCF-style (leftmost placement, unchanged base first): chr19-35842517-T-TG. GRCh37 (hg19) VCF-style: chr19-36333419-T-TG.
Other names: short protein forms M790fs.
Identifiers: ClinVar variation 2793073 (VCV002793073.3), dbSNP rs2513769577, ClinGen allele CA2739276681.

ClinVar aggregate classification (germline): Pathogenic (1 of 4 stars; one submission).

Submission:

Labcorp Genetics (formerly Invitae), Labcorp
Classification: Pathogenic. Last evaluated: 2023-08-11. Review status: criteria provided, single submitter. Criteria: Invitae Variant Classification Sherloc (09022015). Collection method: clinical testing. Allele origin: germline.
Comment: For these reasons, this variant has been classified as Pathogenic. This variant has not been reported in the literature in individuals affected with NPHS1-related conditions. This variant is not present in population databases (gnomAD no frequency). This sequence change creates a premature translational stop signal (p.Met790Hisfs*59) in the NPHS1 gene. It is expected to result in an absent or disrupted protein product. Loss-of-function variants in NPHS1 are known to be pathogenic (PMID: 11317351, 11854170, 12039988).

Literature cited by the submitters: PubMed 11317351; PubMed 11854170; PubMed 12039988.